The following is an entry in ClinVar:

NM_014855.3(AP5Z1):c.1557A>G (p.Gln519=)

Gene: AP5Z1 (adaptor related protein complex 5 subunit zeta 1; plus strand). Cytogenetic location: 7p22.1.
Variant type: single nucleotide variant.
Coding change: c.1557A>G on transcript NM_014855.3 (MANE Select); coding-DNA position 1557, A replaced by G.
Protein change: p.Gln519=; no amino-acid change (glutamine 519 retained).
Molecular consequence: synonymous variant. On other transcripts: non-coding transcript variant (1).
Genome position (GRCh38, 1-based): chr7:4,788,256, A>G. VCF-style: chr7-4788256-A-G. GRCh37 (hg19) VCF-style: chr7-4827887-A-G.
Other names: p.Gln519=; c.1557A>G, p.Gln519= (LRG_1247t1); c.1089A>G, p.Gln363= (NM_001364858.1).
Identifiers: ClinVar variation 360332 (VCV000360332.46), dbSNP rs201687417, ClinGen allele CA4137867.

ClinVar aggregate classification (germline): Conflicting classifications of pathogenicity. Review status: criteria provided, conflicting classifications (1 of 4 stars). 8 submissions from 8 submitters: Uncertain significance (2); Benign (3); Likely benign (3). Last evaluated 2026-01-01.

Conditions:
Hereditary spastic paraplegia 48. Also called: Spastic paraplegia 48; SPASTIC PARAPLEGIA 48, AUTOSOMAL RECESSIVE. Identifiers: Orphanet 306511, MedGen C3150901, MONDO:0013342, OMIM 613647.
Hereditary spastic paraplegia. Also called: Familial spastic paraparesis. Identifiers: Orphanet 685, MedGen C0037773, MONDO:0019064. Disease mechanism: loss of function.

Allele frequency attached by ClinVar (database versions not stated): ExAC 0.00157; ESP Exome Variant Server 0.00243; 1000 Genomes Project 0.00280; 1000 Genomes Project 30x 0.00297; gnomAD 0.00316 and 0.00341; TOPMed 0.00382.
gnomAD v4.1: 1,173 of 1,589,082 alleles (0.074%); highest among the groups gnomAD compares: African/African-American, 1.1%; 10 homozygotes.

Submissions (15):

CeGaT Center for Human Genetics Tuebingen
Classification: Likely benign. Last evaluated: 2026-01-01. Review status: criteria provided, single submitter. Criteria: CeGaT Center For Human Genetics Tuebingen Variant Classification Criteria Version 2. Collection method: clinical testing. Allele origin: germline. Affected: yes. Observed: 3 variant alleles.
Comment: AP5Z1: BP4, BP7, BS1

Labcorp Genetics (formerly Invitae), Labcorp
Classification: Benign for Hereditary spastic paraplegia 48. Last evaluated: 2025-12-26. Review status: criteria provided, single submitter. Criteria: Invitae Variant Classification Sherloc (09022015). Collection method: clinical testing. Allele origin: germline.

Mayo Clinic Laboratories, Mayo Clinic
Classification: Benign. Last evaluated: 2025-06-30. Review status: criteria provided, single submitter. Criteria: ACMG Guidelines, 2015. Collection method: clinical testing. Allele origin: germline. Observed: 2 variant alleles.
Comment: BA1, BP4, BP7

Blueprint Genetics
Classification: Likely benign. Last evaluated: 2024-11-26. Review status: criteria provided, single submitter. Criteria: ACMG Guidelines, 2015. Collection method: clinical testing. Allele origin: germline.

GeneDx
Classification: Benign. Last evaluated: 2020-11-20. Review status: criteria provided, single submitter. Criteria: GeneDx Variant Classification Process June 2021. Collection method: clinical testing. Allele origin: germline. Affected: yes.

Genome Diagnostics Laboratory, The Hospital for Sick Children
Classification: Uncertain significance for Hereditary spastic paraplegia. Last evaluated: 2020-07-14. Review status: criteria provided, single submitter. Criteria: ACMG Guidelines, 2015. Collection method: clinical testing. Allele origin: germline. Affected: yes.

Athena Diagnostics
Classification: Likely benign. Last evaluated: 2018-05-23. Review status: criteria provided, single submitter. Criteria: Athena Diagnostics Criteria. Collection method: clinical testing. Allele origin: germline.

Illumina Laboratory Services, Illumina
Classification: Uncertain significance for Hereditary spastic paraplegia 48. Last evaluated: 2018-01-12. Review status: criteria provided, single submitter. Criteria: ICSL Variant Classification Criteria 13 December 2019. Collection method: clinical testing. Allele origin: germline.

Dr. Peter K. Rogan Lab, Western University
No classification provided (evidence only). Condition: Clear cell carcinoma of kidney. Review status: no classification provided. Collection method: in vitro. Allele origin: not applicable. Functional consequence: skipped exon, retained intron. Not counted in ClinVar's aggregate classification.

Dr. Peter K. Rogan Lab, Western University
No classification provided (evidence only). Condition: Familial cancer of breast. Review status: no classification provided. Collection method: in vitro. Allele origin: not applicable. Functional consequence: skipped exon. Not counted in ClinVar's aggregate classification.

Dr. Peter K. Rogan Lab, Western University
No classification provided (evidence only). Condition: Familial cancer of breast. Review status: no classification provided. Collection method: in vitro. Allele origin: not applicable. Functional consequence: retained intron. Not counted in ClinVar's aggregate classification.

Dr. Peter K. Rogan Lab, Western University
No classification provided (evidence only). Condition: Familial cancer of breast. Review status: no classification provided. Collection method: in vitro. Allele origin: not applicable. Functional consequence: skipped exon. Not counted in ClinVar's aggregate classification.

Dr. Peter K. Rogan Lab, Western University
No classification provided (evidence only). Condition: Cervical cancer. Review status: no classification provided. Collection method: in vitro. Allele origin: not applicable. Functional consequence: retained intron. Not counted in ClinVar's aggregate classification.

Dr. Peter K. Rogan Lab, Western University
No classification provided (evidence only). Condition: Cervical cancer. Review status: no classification provided. Collection method: in vitro. Allele origin: not applicable. Functional consequence: skipped exon. Not counted in ClinVar's aggregate classification.

Dr. Peter K. Rogan Lab, Western University
No classification provided (evidence only). Condition: Sarcoma. Review status: no classification provided. Collection method: in vitro. Allele origin: not applicable. Functional consequence: retained intron. Not counted in ClinVar's aggregate classification.